The following is an entry in ClinVar:

ClinVar aggregate classification (germline): Uncertain significance. Review status: criteria provided, multiple submitters, no conflicts (2 of 4 stars). 3 submissions from 3 submitters: Uncertain significance (3). Last evaluated 2025-07-06.

Conditions:
Inborn genetic diseases. Identifiers: MedGen C0950123, MeSH D030342.
Spondylometaphyseal dysplasia - Sutcliffe type. Also called: Sutcliffe type of spondylometaphyseal dysplasia; Sutcliffe SMD; Spondylometaphyseal dysplasia, 'corner fracture' type; Spondylometaphyseal Dysplasia, Corner Fracture Type. Identifiers: Orphanet 93315, MedGen C0432221, MONDO:0008479, OMIM 184255.

Allele frequency attached by ClinVar (database versions not stated): ExAC 0.00001; gnomAD exomes 0.00001.
gnomAD v4.1: 21 of 1,603,984 alleles (0.0013%); highest among the groups gnomAD compares: Admixed American, 0.0033%; no homozygotes.

Submissions (3):

Labcorp Genetics (formerly Invitae), Labcorp
Classification: Uncertain significance. Last evaluated: 2025-07-06. Review status: criteria provided, single submitter. Criteria: Invitae Variant Classification Sherloc (09022015). Collection method: clinical testing. Allele origin: germline.
Comment: This sequence change replaces glycine, which is neutral and non-polar, with arginine, which is basic and polar, at codon 1574 of the FN1 protein (p.Gly1574Arg). This variant is present in population databases (rs764285223, gnomAD 0.003%). This variant has not been reported in the literature in individuals affected with FN1-related conditions. ClinVar contains an entry for this variant (Variation ID: 1299479). An algorithm developed to predict the effect of missense changes on protein structure and function (PolyPhen-2) suggests that this variant is likely to be tolerated. In summary, the available evidence is currently insufficient to determine the role of this variant in disease. Therefore, it has been classified as a Variant of Uncertain Significance.

Ambry Genetics
Classification: Uncertain significance for Inborn genetic diseases. Last evaluated: 2024-06-17. Review status: criteria provided, single submitter. Criteria: Ambry Variant Classification Scheme 2023. Collection method: clinical testing. Allele origin: germline.

Breda Genetics srl
Classification: Uncertain significance for Spondylometaphyseal dysplasia - Sutcliffe type. Last evaluated: 2021-06-24. Review status: criteria provided, single submitter. Criteria: ACMG Guidelines, 2015. Collection method: clinical testing. Allele origin: germline. Inheritance: Autosomal dominant inheritance. Affected: yes. Observed: 1 variant allele, 1 heterozygote.
Comment: Based on allele frequency, in-silico prediction scores and a certain overlap with the clinical phenotype, we interpreted this variant at least as of uncertain significance. The lack of one or more of the following features has discouraged further investigations: lack of a possible second hit in autosomal recessive conditions, presence of healthy controls in databases for autosomal dominant conditions, presence of unmatching cardinal clinical features in the patient or in the known gene-disease association, and/or variant type outside the known gene mutational spectrum.

NM_212482.4(FN1):c.4720G>A (p.Gly1574Arg)

Gene: FN1 (fibronectin 1; minus strand). Cytogenetic location: 2q35.
Variant type: single nucleotide variant.
Coding change: c.4720G>A on transcript NM_212482.4 (MANE Select); coding-DNA position 4720, G replaced by A.
Protein change: p.Gly1574Arg; replaces glycine 1574 with arginine.
Molecular consequence: missense variant.
Genome position (GRCh38, 1-based): chr2:215,384,869, C>T on the plus strand (G>A on the coding strand, the complement: FN1 is on the minus strand). VCF-style: chr2-215384869-C-T. GRCh37 (hg19) VCF-style: chr2-216249592-C-T.
Other names: c.4720G>A, p.Gly1574Arg (NM_001306129.2, NM_001306130.2, NM_001365517.2 and 3 more transcripts); c.4447G>A, p.Gly1483Arg (NM_001306131.2, NM_001306132.2, NM_001365518.2 and 7 more transcripts); c.4720G>A (NM_212482.1); short protein forms G1483R, G1574R.
Identifiers: ClinVar variation 1299479 (VCV001299479.10), dbSNP rs764285223, ClinGen allele CA2094352.
Genomic context (GRCh38, chr2:215,384,869, plus strand): 5'-ACAACAGAATCTGATTTAATCAGAGTGTAAAATAGCATTTTACTGCTGTACCTGTCTCTC[C>T]GTAAGTGATCCTGTAATATCTCACTGTGACAGCAGGAGCATCCCAGCTGATCAGTAGGCT-3'
Protein context (NP_997647.2, residues 1564-1584): VTVRYYRITY[Gly1574Arg]ETGGNSPVQE